The following is an entry in ClinVar:

NM_001323289.2(CDKL5):c.1348A>G (p.Ser450Gly)

Gene: CDKL5 (cyclin dependent kinase like 5; plus strand). Cytogenetic location: Xp22.13.
Variant type: single nucleotide variant.
Coding change: c.1348A>G on transcript NM_001323289.2 (MANE Select); coding-DNA position 1348, A replaced by G.
Protein change: p.Ser450Gly; replaces serine 450 with glycine.
Molecular consequence: missense variant.
Genome position (GRCh38, 1-based): chrX:18,604,272, A>G. VCF-style: chrX-18604272-A-G. GRCh37 (hg19) VCF-style: chrX-18622392-A-G.
Other names: c.1348A>G, p.Ser450Gly (NM_001037343.2, NM_003159.3); short protein forms S450G.
Identifiers: ClinVar variation 4787198 (VCV004787198.1).

ClinVar aggregate classification (germline): Uncertain significance (1 of 4 stars; one submission).

Conditions:
Angelman syndrome-like. Identifiers: MedGen CN128785.
Developmental and epileptic encephalopathy, 2 (DEE2). Also called: INFANTILE SPASM SYNDROME, X-LINKED 2; CDKL5 deficiency disorder. Identifiers: Orphanet 1934, Orphanet 3451, Orphanet 505652, MedGen C4750718, MONDO:0010396, OMIM 300672.

gnomAD v4.1: 1 of 1,211,993 alleles (0.000083%); highest among the groups gnomAD compares: Non-Finnish European, 0.00011%; no homozygotes.

Submission:

Labcorp Genetics (formerly Invitae), Labcorp
Classification: Uncertain significance for Developmental and epileptic encephalopathy, 2; Angelman syndrome-like. Last evaluated: 2025-11-04. Review status: criteria provided, single submitter. Criteria: Invitae Variant Classification Sherloc (09022015). Collection method: clinical testing. Allele origin: germline.
Comment: This sequence change replaces serine, which is neutral and polar, with glycine, which is neutral and non-polar, at codon 450 of the CDKL5 protein (p.Ser450Gly). This variant is not present in population databases (gnomAD no frequency). This variant has not been reported in the literature in individuals affected with CDKL5-related conditions. Invitae Evidence Modeling of protein sequence and biophysical properties (such as structural, functional, and spatial information, amino acid conservation, physicochemical variation, residue mobility, and thermodynamic stability) indicates that this missense variant is not expected to disrupt CDKL5 protein function with a negative predictive value of 95%. In summary, the available evidence is currently insufficient to determine the role of this variant in disease. Therefore, it has been classified as a Variant of Uncertain Significance.